The following is an entry in ClinVar:

NM_014476.6(PDLIM3):c.944C>A (p.Pro315His)

Gene: PDLIM3 (PDZ and LIM domain 3; minus strand). Cytogenetic location: 4q35.1.
Variant type: single nucleotide variant.
Coding change: c.944C>A on transcript NM_014476.6 (MANE Select); coding-DNA position 944, C replaced by A.
Protein change: p.Pro315His; replaces proline 315 with histidine.
Molecular consequence: missense variant. On other transcripts: non-coding transcript variant (1).
Genome position (GRCh38, 1-based): chr4:185,502,445, G>T on the plus strand (C>A on the coding strand, the complement: PDLIM3 is on the minus strand). VCF-style: chr4-185502445-G-T. GRCh37 (hg19) VCF-style: chr4-186423599-G-T.
Other names: c.800C>A, p.Pro267His (NM_001114107.5); c.680C>A, p.Pro227His (NM_001257962.2); c.443C>A, p.Pro148His (NM_001257963.2); short protein forms P227H, P267H, P148H, P315H.
Identifiers: ClinVar variation 1766983 (VCV001766983.2), dbSNP rs750492492, ClinGen allele CA3159627.

ClinVar aggregate classification (germline): Uncertain significance (1 of 4 stars; one submission).

gnomAD v4.1: 6 of 1,614,216 alleles (0.00037%); highest among the groups gnomAD compares: South Asian, 0.0044%; no homozygotes.

Submission:

Ambry Genetics
Classification: Uncertain significance. Last evaluated: 2022-03-03. Review status: criteria provided, single submitter. Criteria: Ambry Variant Classification Scheme 2023. Collection method: clinical testing. Allele origin: germline.
Comment: The p.P315H variant (also known as c.944C>A), located in coding exon 8 of the PDLIM3 gene, results from a C to A substitution at nucleotide position 944. The proline at codon 315 is replaced by histidine, an amino acid with similar properties. This amino acid position is conserved. In addition, this alteration is predicted to be deleterious by in silico analysis. Since supporting evidence is limited at this time, the clinical significance of this alteration remains unclear.